The following is an entry in ClinVar:

NM_001199138.2(NLRC4):c.2849G>A (p.Ser950Asn)

Gene: NLRC4 (NLR family CARD domain containing 4; minus strand). Cytogenetic location: 2p22.3.
Variant type: single nucleotide variant.
Coding change: c.2849G>A on transcript NM_001199138.2 (MANE Select); coding-DNA position 2849, G replaced by A.
Protein change: p.Ser950Asn; replaces serine 950 with asparagine.
Molecular consequence: missense variant.
Genome position (GRCh38, 1-based): chr2:32,224,699, C>T on the plus strand (G>A on the coding strand, the complement: NLRC4 is on the minus strand). VCF-style: chr2-32224699-C-T. GRCh37 (hg19) VCF-style: chr2-32449768-C-T.
Other names: c.2849G>A, p.Ser950Asn (NM_001199139.2, NM_021209.5); c.854G>A, p.Ser285Asn (NM_001302504.2); short protein forms S285N, S950N.
Identifiers: ClinVar variation 4788414 (VCV004788414.1).

ClinVar aggregate classification (germline): Uncertain significance (1 of 4 stars; one submission).

Conditions:
Periodic fever-infantile enterocolitis-autoinflammatory syndrome. Also called: Autoinflammation with infantile enterocolitis. Identifiers: Orphanet 436166, MedGen C4015067, MONDO:0014472, OMIM 616050.
Familial cold autoinflammatory syndrome 4 (FCAS4). Identifiers: Orphanet 47045, Orphanet 576349, MedGen C4015276, MONDO:0014498, OMIM 616115.

gnomAD v4.1: 64 of 1,607,832 alleles (0.004%); highest among the groups gnomAD compares: Non-Finnish European, 0.0054%; no homozygotes.

Submission:

Labcorp Genetics (formerly Invitae), Labcorp
Classification: Uncertain significance for Periodic fever-infantile enterocolitis-autoinflammatory syndrome; Familial cold autoinflammatory syndrome 4. Last evaluated: 2025-06-12. Review status: criteria provided, single submitter. Criteria: Invitae Variant Classification Sherloc (09022015). Collection method: clinical testing. Allele origin: germline.
Comment: This sequence change replaces serine, which is neutral and polar, with asparagine, which is neutral and polar, at codon 950 of the NLRC4 protein (p.Ser950Asn). This variant is present in population databases (rs746876982, gnomAD 0.002%). This variant has not been reported in the literature in individuals affected with NLRC4-related conditions. Invitae Evidence Modeling of protein sequence and biophysical properties (such as structural, functional, and spatial information, amino acid conservation, physicochemical variation, residue mobility, and thermodynamic stability) has been performed for this missense variant. However, the output from this modeling did not meet the statistical confidence thresholds required to predict the impact of this variant on NLRC4 protein function. In summary, the available evidence is currently insufficient to determine the role of this variant in disease. Therefore, it has been classified as a Variant of Uncertain Significance.